The following is an entry in ClinVar:

ClinVar aggregate classification (germline): Uncertain significance (1 of 4 stars; one submission).

gnomAD v4.1: 1 of 1,614,192 alleles (0.000062%); highest among the groups gnomAD compares: Non-Finnish European, 0.000085%; no homozygotes.

Submission:

Labcorp Genetics (formerly Invitae), Labcorp
Classification: Uncertain significance. Last evaluated: 2025-05-27. Review status: criteria provided, single submitter. Criteria: Invitae Variant Classification Sherloc (09022015). Collection method: clinical testing. Allele origin: germline.
Comment: This sequence change replaces serine, which is neutral and polar, with asparagine, which is neutral and polar, at codon 2213 of the TRRAP protein (p.Ser2213Asn). This variant is not present in population databases (gnomAD no frequency). This variant has not been reported in the literature in individuals affected with TRRAP-related conditions. ClinVar contains an entry for this variant (Variation ID: 3696159). Invitae Evidence Modeling of protein sequence and biophysical properties (such as structural, functional, and spatial information, amino acid conservation, physicochemical variation, residue mobility, and thermodynamic stability) indicates that this missense variant is not expected to disrupt TRRAP protein function with a negative predictive value of 80%. In summary, the available evidence is currently insufficient to determine the role of this variant in disease. Therefore, it has been classified as a Variant of Uncertain Significance.

NM_001375524.1(TRRAP):c.6713G>A (p.Ser2238Asn)

Gene: TRRAP (transformation/transcription domain associated protein; plus strand). Cytogenetic location: 7q22.1.
Variant type: single nucleotide variant.
Coding change: c.6713G>A on transcript NM_001375524.1 (MANE Select); coding-DNA position 6713, G replaced by A.
Protein change: p.Ser2238Asn; replaces serine 2238 with asparagine.
Molecular consequence: missense variant.
Genome position (GRCh38, 1-based): chr7:98,962,311, G>A. VCF-style: chr7-98962311-G-A. GRCh37 (hg19) VCF-style: chr7-98559934-G-A.
Other names: c.6692G>A, p.Ser2231Asn (NM_001244580.2); c.6638G>A, p.Ser2213Asn (NM_003496.4); short protein forms S2231N, S2213N, S2238N.
Identifiers: ClinVar variation 3696159 (VCV003696159.2).
Genomic context (GRCh38, chr7:98,962,311, plus strand): 5'-GGTGGGCCCAAGAGCCATAACCACAGTGCCTGGGTCCCTGCCCTGTTGTAGGTACTTCCA[G>A]TGTGGCCTCCAAATATGAAGAGCTGGAGTGCCTCTACGCAGCCGTCGGAAAGGTCATCTA-3'
Protein context (NP_001362453.1, residues 2228-2248): SIFPTEPSTS[Ser2238Asn]VASKYEELEC